The following is an entry in ClinVar:

NM_006929.5(SKIC2):c.2246C>G (p.Thr749Ser)

Gene: SKIC2 (SKI2 subunit of superkiller complex; plus strand). Cytogenetic location: 6p21.33.
Variant type: single nucleotide variant.
Coding change: c.2246C>G on transcript NM_006929.5 (MANE Select); coding-DNA position 2246, C replaced by G.
Protein change: p.Thr749Ser; replaces threonine 749 with serine.
Molecular consequence: missense variant.
Genome position (GRCh38, 1-based): chr6:31,966,752, C>G. VCF-style: chr6-31966752-C-G. GRCh37 (hg19) VCF-style: chr6-31934529-C-G.
Other names: short protein forms T749S.
Identifiers: ClinVar variation 4719584 (VCV004719584.1).

ClinVar aggregate classification (germline): Uncertain significance (1 of 4 stars; one submission).

Submission:

Labcorp Genetics (formerly Invitae), Labcorp
Classification: Uncertain significance. Last evaluated: 2025-08-06. Review status: criteria provided, single submitter. Criteria: Invitae Variant Classification Sherloc (09022015). Collection method: clinical testing. Allele origin: germline.
Comment: This sequence change replaces threonine, which is neutral and polar, with serine, which is neutral and polar, at codon 749 of the SKIV2L protein (p.Thr749Ser). This variant is not present in population databases (gnomAD no frequency). This variant has not been reported in the literature in individuals affected with SKIV2L-related conditions. An algorithm developed to predict the effect of missense changes on protein structure and function (PolyPhen-2) suggests that this variant is likely to be tolerated. In summary, the available evidence is currently insufficient to determine the role of this variant in disease. Therefore, it has been classified as a Variant of Uncertain Significance.